The following is an entry in ClinVar:

ClinVar aggregate classification (germline): Benign. Review status: criteria provided, multiple submitters, no conflicts (2 of 4 stars). 5 submissions from 5 submitters: Benign (4). 1 of the submissions does not count toward it. Last evaluated 2026-01-28.

Conditions:
Mucopolysaccharidosis, MPS-IV-A (MPS4A). Also called: Mucopolysaccharidosis type IV A; Mucopolysaccharidosis Type IVA; Morquio syndrome A, mild; MORQUIO SYNDROME A; MPS IVA; mucopolysaccharidosis type 4A. Identifiers: Orphanet 309297, Orphanet 582, MedGen C0086651, MONDO:0009659, OMIM 253000.
GALNS-related disorder. Also called: GALNS-related condition.

Allele frequency attached by ClinVar (database versions not stated): ExAC 0.00345; gnomAD exomes 0.00385 and 0.00154; 1000 Genomes Project 30x 0.00874; 1000 Genomes Project 0.00919; gnomAD 0.00118 and 0.00172; TOPMed 0.00237.
gnomAD v4.1: 2,561 of 1,612,534 alleles (0.16%); highest among the groups gnomAD compares: East Asian, 5.2%; 52 homozygotes.

Submissions (5):

Labcorp Genetics (formerly Invitae), Labcorp
Classification: Benign for Mucopolysaccharidosis, MPS-IV-A. Last evaluated: 2026-01-28. Review status: criteria provided, single submitter. Criteria: Invitae Variant Classification Sherloc (09022015). Collection method: clinical testing. Allele origin: germline.

Mayo Clinic Laboratories, Mayo Clinic
Classification: Benign. Last evaluated: 2023-11-22. Review status: criteria provided, single submitter. Criteria: ACMG Guidelines, 2015. Collection method: clinical testing. Allele origin: germline. Observed: 5 variant alleles.
Comment: BA1, BS2, BP4

Genome-Nilou Lab
Classification: Benign for Mucopolysaccharidosis, MPS-IV-A. Last evaluated: 2021-11-07. Review status: criteria provided, single submitter. Criteria: ACMG Guidelines, 2015. Collection method: clinical testing. Allele origin: germline. Affected: no.

Illumina Laboratory Services, Illumina
Classification: Benign for Mucopolysaccharidosis, MPS-IV-A. Last evaluated: 2018-01-12. Review status: criteria provided, single submitter. Criteria: ICSL Variant Classification Criteria 13 December 2019. Collection method: clinical testing. Allele origin: germline.
Comment: This variant was observed in the ICSL laboratory as part of a predisposition screen in an ostensibly healthy population. It had not been previously curated by ICSL or reported in the Human Gene Mutation Database (HGMD: prior to June 1st, 2018), and was therefore a candidate for classification through an automated scoring system. Utilizing variant allele frequency, disease prevalence and penetrance estimates, and inheritance mode, an automated score was calculated to assess if this variant is too frequent to cause the disease. Based on the score and internal cut-off values, a variant classified as benign is not then subjected to further curation. The score for this variant resulted in a classification of benign for this disease.

PreventionGenetics, part of Exact Sciences
Classification: Benign for GALNS-related condition. Last evaluated: 2024-03-18. Review status: no assertion criteria provided. Collection method: clinical testing. Allele origin: germline. Not counted in ClinVar's aggregate classification.
Comment: This variant is classified as benign based on ACMG/AMP sequence variant interpretation guidelines (Richards et al. 2015 PMID: 25741868, with internal and published modifications).

Literature cited by the submitters: PubMed 34813777 (cited by Mayo Clinic Laboratories, Mayo Clinic).

NM_000512.5(GALNS):c.566+5T>C

Gene: GALNS (galactosamine (N-acetyl)-6-sulfatase; minus strand). Cytogenetic location: 16q24.3.
Variant type: single nucleotide variant.
Coding change: c.566+5T>C on transcript NM_000512.5 (MANE Select); 5 bases into the intron after coding-DNA position 566, T replaced by C.
Molecular consequence: intron variant.
Genome position (GRCh38, 1-based): chr16:88,837,617, A>G on the plus strand (T>C on the coding strand, the complement: GALNS is on the minus strand). VCF-style: chr16-88837617-A-G. GRCh37 (hg19) VCF-style: chr16-88904025-A-G.
Other names: c.11+5T>C (NM_001323543.2); c.584+5T>C (NM_001323544.2).
Identifiers: ClinVar variation 321203 (VCV000321203.19), dbSNP rs3743545, ClinGen allele CA8235110.